The following is an entry in ClinVar:

NM_000410.4(HFE):c.573G>C (p.Leu191=)

Gene: HFE (homeostatic iron regulator; plus strand). Cytogenetic location: 6p22.2.
Variant type: single nucleotide variant.
Coding change: c.573G>C on transcript NM_000410.4 (MANE Select); coding-DNA position 573, G replaced by C.
Protein change: p.Leu191=; no amino-acid change (leucine 191 retained).
Molecular consequence: synonymous variant. On other transcripts: intron variant (4).
Genome position (GRCh38, 1-based): chr6:26,091,546, G>C. VCF-style: chr6-26091546-G-C. GRCh37 (hg19) VCF-style: chr6-26091774-G-C.
Other names: c.573G>C, p.Leu191= (NM_001300749.3, NM_001384164.1, NM_001406751.1 and 1 more transcripts); c.309G>C, p.Leu103= (NM_001406752.1, NM_139007.3, NM_139008.3); c.504G>C, p.Leu168= (NM_139009.3); c.340+442G>C (NM_139004.3, NM_139003.3); c.77-1139G>C (NM_139010.3); c.77-1573G>C (NM_139011.3).
Identifiers: ClinVar variation 1879648 (VCV001879648.29), dbSNP rs2481608567, ClinGen allele CA448986909.
Genomic context (GRCh38, chr6:26,091,546, plus strand): 5'-GCACAAGATTCGGGCCAGGCAGAACAGGGCCTACCTGGAGAGGGACTGCCCTGCACAGCT[G>C]CAGCAGTTGCTGGAGCTGGGGAGAGGTGTTTTGGACCAACAAGGTATGGTGGAAACACAC-3'
Protein context (NP_000401.1, residues 181-201): AYLERDCPAQ[Leu191=]QQLLELGRGV

ClinVar aggregate classification (germline): Likely benign (1 of 4 stars; one submission).

Submission:

CeGaT Center for Human Genetics Tuebingen
Classification: Likely benign. Last evaluated: 2022-10-01. Review status: criteria provided, single submitter. Criteria: CeGaT Center For Human Genetics Tuebingen Variant Classification Criteria Version 2. Collection method: clinical testing. Allele origin: germline. Affected: yes. Observed: 1 variant allele.
Comment: HFE: PM2:Supporting, BP4, BP7